The following is an entry in ClinVar:

ClinVar aggregate classification (germline): Pathogenic (1 of 4 stars; one submission).

Conditions:
Neurofibromatosis, type 1 (NF1). Also called: Peripheral type neurofibromatosis; VON RECKLINGHAUSEN DISEASE; Neurofibromatosis, type I; NEUROFIBROMATOSIS, TYPE I, SOMATIC. Identifiers: Orphanet 636, MedGen C0027831, MONDO:0018975, OMIM 162200. Disease mechanism: loss of function.

Submission:

Labcorp Genetics (formerly Invitae), Labcorp
Classification: Pathogenic for Neurofibromatosis, type 1. Last evaluated: 2025-06-19. Review status: criteria provided, single submitter. Criteria: Invitae Variant Classification Sherloc (09022015). Collection method: clinical testing. Allele origin: germline.
Comment: This sequence change replaces leucine, which is neutral and non-polar, with proline, which is neutral and non-polar, at codon 273 of the NF1 protein (p.Leu273Pro). This variant is not present in population databases (gnomAD no frequency). This missense change has been observed in individual(s) with clinical features of neurofibromatosis, type 1 (internal data). Invitae Evidence Modeling of protein sequence and biophysical properties (such as structural, functional, and spatial information, amino acid conservation, physicochemical variation, residue mobility, and thermodynamic stability) indicates that this missense variant is expected to disrupt NF1 protein function with a positive predictive value of 95%. This variant disrupts the p.Leu273 amino acid residue in NF1. Other variant(s) that disrupt this residue have been determined to be pathogenic (PMID: 27716896). This suggests that this residue is clinically significant, and that variants that disrupt this residue are likely to be disease-causing. For these reasons, this variant has been classified as Pathogenic.

Literature cited by the submitters: PubMed 27716896.

NM_001042492.3(NF1):c.818T>C (p.Leu273Pro)

Gene: NF1 (neurofibromin 1; plus strand). Cytogenetic location: 17q11.2.
Variant type: single nucleotide variant.
Coding change: c.818T>C on transcript NM_001042492.3 (MANE Select); coding-DNA position 818, T replaced by C.
Protein change: p.Leu273Pro; replaces leucine 273 with proline.
Molecular consequence: missense variant.
Genome position (GRCh38, 1-based): chr17:31,182,595, T>C. VCF-style: chr17-31182595-T-C. GRCh37 (hg19) VCF-style: chr17-29509613-T-C.
Other names: c.818T>C, p.Leu273Pro (NM_000267.4, NM_001128147.3); short protein forms L273P.
Identifiers: ClinVar variation 4698300 (VCV004698300.1).
Genomic context (GRCh38, chr17:31,182,595, plus strand): 5'-TGGATGGTTTTGCTGAAAGCACCAAACGTAAAGCAGCAGTTTGGCCACTACAAATCATTC[T>C]CCTTATCTTGTGTCCAGAAATAATCCAGGATATATCCAAAGACGTGGTTGATGAAAACAA-3'
Protein context (NP_001035957.1, residues 263-283): KAAVWPLQII[Leu273Pro]LILCPEIIQD